The following is an entry in ClinVar:

ClinVar aggregate classification (germline): Conflicting classifications of pathogenicity. Review status: criteria provided, conflicting classifications (1 of 4 stars). 2 submissions from 2 submitters: Uncertain significance (1); Benign (1). Last evaluated 2026-08-06.

Conditions:
Bethlem myopathy 1A. Also called: MYOPATHY, BENIGN CONGENITAL, WITH CONTRACTURES; Bethlem Muscular Dystrophy; Bethlem myopathy 1. Identifiers: Orphanet 610, MedGen CN029274, MONDO:0024530, OMIM 158810.

Allele frequency attached by ClinVar (database versions not stated): TOPMed 0.00001; ExAC 0.00001; gnomAD 0.00001.
gnomAD v4.1: 18 of 1,610,110 alleles (0.0011%); highest among the groups gnomAD compares: South Asian, 0.0077%; no homozygotes.

Submissions (2):

OLLIN Analises Genomicas, OLLIN
Classification: Uncertain significance for Bethlem myopathy 1A. Last evaluated: 2026-08-06. Review status: criteria provided, single submitter. Criteria: ACMG Guidelines 2015 PMID 25741868. Collection method: clinical testing. Allele origin: germline. Inheritance: Autosomal dominant inheritance.
Comment: This synonymous variant, located in exon 30 (of 35), has been reported in ClinVar (accession VCV002050973.4) and in gnomAD with an allele frequency of 0.0011%. However, to our knowledge, it has not been reported in the scientific literature. According to the currently available evidence, this variant has been classified as uncertain significance (PM2_P, PP3).

Labcorp Genetics (formerly Invitae), Labcorp
Classification: Benign for Bethlem myopathy 1A. Last evaluated: 2025-04-10. Review status: criteria provided, single submitter. Criteria: Invitae Variant Classification Sherloc (09022015). Collection method: clinical testing. Allele origin: germline.

NM_001848.3(COL6A1):c.1842C>T (p.Ile614=)

Gene: COL6A1 (collagen type VI alpha 1 chain; plus strand). Cytogenetic location: 21q22.3.
Variant type: single nucleotide variant.
Coding change: c.1842C>T on transcript NM_001848.3 (MANE Select); coding-DNA position 1842, C replaced by T.
Protein change: p.Ile614=; no amino-acid change (isoleucine 614 retained).
Molecular consequence: synonymous variant.
Genome position (GRCh38, 1-based): chr21:46,001,272, C>T. VCF-style: chr21-46001272-C-T. GRCh37 (hg19) VCF-style: chr21-47421186-C-T.
Identifiers: ClinVar variation 2050973 (VCV002050973.5), dbSNP rs764670520, ClinGen allele CA10070642.